The following is an entry in ClinVar:

ClinVar aggregate classification (germline): Uncertain significance (1 of 4 stars; one submission).

Conditions:
Cardiovascular phenotype. Identifiers: MedGen CN230736.

Submission:

Ambry Genetics
Classification: Uncertain significance for Cardiovascular phenotype. Last evaluated: 2013-05-28. Review status: criteria provided, single submitter. Criteria: Ambry Autosomal Dominant and X-Linked criteria (10/2015). Collection method: clinical testing. Allele origin: germline. Observed: 1 variant allele.
Comment: There is insufficient or conflicting evidence for classification of this alteration.

NM_000257.4(MYH7):c.3961_3963delinsAAA (p.Glu1321Lys)

Gene: MYH7 (myosin heavy chain 7; minus strand). Cytogenetic location: 14q11.2.
Variant type: Indel.
Coding change: c.3961_3963delinsAAA on transcript NM_000257.4 (MANE Select); coding-DNA positions 3961 to 3963, GAG replaced by AAA.
Protein change: p.Glu1321Lys; replaces glutamic acid 1321 with lysine.
Molecular consequence: missense variant.
Genome position (GRCh38, 1-based): chr14:23,419,186-23,419,188, CTC replaced by TTT on the plus strand (GAG replaced by AAA on the coding strand, the reverse complement: MYH7 is on the minus strand). VCF-style: chr14-23419186-CTC-TTT. GRCh37 (hg19) VCF-style: chr14-23888395-CTC-TTT.
Other names: c.3961_3963delinsAAA (LRG_384t1); short protein forms E1321K.
Identifiers: ClinVar variation 263629 (VCV000263629.3), dbSNP rs886038864, ClinGen allele CA10587770.